The following is an entry in ClinVar:

NM_002087.4(GRN):c.1492_1495del (p.Glu498fs)

Gene: GRN (granulin precursor; plus strand). Cytogenetic location: 17q21.31.
Variant type: Microsatellite.
Coding change: c.1492_1495del on transcript NM_002087.4 (MANE Select); coding-DNA positions 1492 to 1495, 4 bases deleted (GAAG; older notation c.1492_1495delGAAG).
Protein change: p.Glu498fs; shifts the reading frame from glutamic acid 498.
Molecular consequence: frameshift variant.
Genome position (GRCh38, 1-based): chr17:44,352,419-44,352,422, GAAG deleted; deleting any 4 consecutive bases within chr17:44,352,415-44,352,422 gives the same sequence; the c. name uses the placement nearest the transcript's 3' end. VCF-style (leftmost placement, unchanged base first): chr17-44352414-AGAAG-A. GRCh37 (hg19) VCF-style: chr17-42429782-AGAAG-A.
Other names: short protein forms E498fs.
Identifiers: ClinVar variation 1955531 (VCV001955531.5), dbSNP rs2510058297, ClinGen allele CA2580612639.

ClinVar aggregate classification (germline): Pathogenic (1 of 4 stars; one submission).

Conditions:
Neuronal ceroid lipofuscinosis 11. Also called: GRN-Related Neuronal Ceroid-Lipofuscinosis. Identifiers: Orphanet 314629, Orphanet 79262, MedGen C3539123, MONDO:0013866, OMIM 614706.
GRN-related frontotemporal lobar degeneration with Tdp43 inclusions (FTD2). Also called: GRN Frontotemporal Dementia; FRONTOTEMPORAL DEMENTIA WITH TDP43 INCLUSIONS, GRN-RELATED; DEMENTIA, HEREDITARY DYSPHASIC DISINHIBITION; FRONTOTEMPORAL LOBAR DEGENERATION WITH UBIQUITIN-POSITIVE INCLUSIONS; FTLD-TDP, GRN-RELATED. Identifiers: Orphanet 100070, Orphanet 282, MedGen C1843792, MONDO:0011842, OMIM 607485. Disease mechanism: loss of function.

Submission:

Labcorp Genetics (formerly Invitae), Labcorp
Classification: Pathogenic for Neuronal ceroid lipofuscinosis 11; GRN-related frontotemporal lobar degeneration with Tdp43 inclusions. Last evaluated: 2021-12-04. Review status: criteria provided, single submitter. Criteria: Invitae Variant Classification Sherloc (09022015). Collection method: clinical testing. Allele origin: germline.
Comment: This sequence change creates a premature translational stop signal (p.Glu498Trpfs*18) in the GRN gene. It is expected to result in an absent or disrupted protein product. Loss-of-function variants in GRN are known to be pathogenic (PMID: 16862116, 16950801, 22608501). This variant is not present in population databases (gnomAD no frequency). This variant has not been reported in the literature in individuals affected with GRN-related conditions. For these reasons, this variant has been classified as Pathogenic.

Literature cited by the submitters: PubMed 16862116; PubMed 16950801; PubMed 22608501.